The following is an entry in ClinVar:

ClinVar aggregate classification (germline): Benign/Likely benign. Review status: criteria provided, multiple submitters, no conflicts (2 of 4 stars). 2 submissions from 2 submitters: Benign (1); Likely benign (1). Last evaluated 2022-05-12.

Conditions:
Collagen 6-related myopathy. Identifiers: MedGen CN117976, MONDO:0100225.
Bethlem myopathy 1A. Also called: MYOPATHY, BENIGN CONGENITAL, WITH CONTRACTURES; Bethlem myopathy 1; Bethlem Muscular Dystrophy. Identifiers: Orphanet 610, MedGen CN029274, MONDO:0024530, OMIM 158810.

Allele frequency attached by ClinVar (database versions not stated): gnomAD 0.00001; TOPMed 0.00001; ExAC 0.00002; gnomAD exomes 0.00002 and 0.00006.
gnomAD v4.1: 93 of 1,612,260 alleles (0.0058%); highest among the groups gnomAD compares: East Asian, 0.21%; no homozygotes.

Submissions (2):

Labcorp Genetics (formerly Invitae), Labcorp
Classification: Likely benign for Bethlem myopathy 1A. Last evaluated: 2022-05-12. Review status: criteria provided, single submitter. Criteria: Invitae Variant Classification Sherloc (09022015). Collection method: clinical testing. Allele origin: germline.

Illumina Laboratory Services, Illumina
Classification: Benign for Collagen VI-related myopathy. Last evaluated: 2018-01-12. Review status: criteria provided, single submitter. Criteria: ICSL Variant Classification Criteria 13 December 2019. Collection method: clinical testing. Allele origin: germline.
Comment: This variant was observed in the ICSL laboratory as part of a predisposition screen in an ostensibly healthy population. It had not been previously curated by ICSL or reported in the Human Gene Mutation Database (HGMD: prior to June 1st, 2018), and was therefore a candidate for classification through an automated scoring system. Utilizing variant allele frequency, disease prevalence and penetrance estimates, and inheritance mode, an automated score was calculated to assess if this variant is too frequent to cause the disease. Based on the score and internal cut-off values, a variant classified as benign is not then subjected to further curation. The score for this variant resulted in a classification of benign for this disease.

NM_001849.4(COL6A2):c.1117-14G>A

Gene: COL6A2 (collagen type VI alpha 2 chain; plus strand). Cytogenetic location: 21q22.3.
Variant type: single nucleotide variant.
Coding change: c.1117-14G>A on transcript NM_001849.4 (MANE Select); 14 bases into the intron before coding-DNA position 1117, G replaced by A.
Molecular consequence: intron variant.
Genome position (GRCh38, 1-based): chr21:46,118,600, G>A. VCF-style: chr21-46118600-G-A. GRCh37 (hg19) VCF-style: chr21-47538514-G-A.
Other names: c.1117-14G>A (NM_058175.3, NM_058174.3).
Identifiers: ClinVar variation 899069 (VCV000899069.12), dbSNP rs768473305, ClinGen allele CA10071705.